The following is an entry in ClinVar:

NM_005476.7(GNE):c.1130del (p.Ile377fs)

Gene: GNE (glucosamine (UDP-N-acetyl)-2-epimerase/N-acetylmannosamine kinase; minus strand). Cytogenetic location: 9p13.3.
Variant type: Deletion.
Coding change: c.1130del on transcript NM_005476.7 (MANE Select); coding-DNA position 1130, one base deleted (T; older notation c.1130delT).
Protein change: p.Ile377fs; shifts the reading frame from isoleucine 377.
Molecular consequence: frameshift variant.
Genome position (GRCh38, 1-based): chr9:36,227,399, A deleted on the plus strand (T on the coding strand, the reverse complement: GNE is on the minus strand). VCF-style (leftmost placement, unchanged base first): chr9-36227398-GA-G. GRCh37 (hg19) VCF-style: chr9-36227395-GA-G.
Other names: c.1223delT (NM_001128227.2); c.1223del, p.Ile408fs (NM_001128227.3); c.1130del, p.Ile377fs (NM_001190383.3); c.800del, p.Ile267fs (NM_001190384.3); c.953del, p.Ile318fs (NM_001190388.2, NM_001374798.1); c.977del, p.Ile326fs (NM_001374797.1); short protein forms I377fs, I267fs, I318fs, I326fs, I408fs.
Identifiers: ClinVar variation 956608 (VCV000956608.15), dbSNP rs982936794, ClinGen allele CA192847318.

ClinVar aggregate classification (germline): Pathogenic. Review status: criteria provided, multiple submitters, no conflicts (2 of 4 stars). 3 submissions from 3 submitters: Pathogenic (3). Last evaluated 2025-08-05.

Conditions:
GNE myopathy (NM). Also called: INCLUSION BODY MYOPATHY, HEREDITARY, AUTOSOMAL RECESSIVE; INCLUSION BODY MYOPATHY 2, AUTOSOMAL RECESSIVE; MYOPATHY, DISTAL, WITH OR WITHOUT RIMMED VACUOLES; NONAKA DISTAL MYOPATHY; IBM 2; Inclusion body myopathy autosomal recessive. Identifiers: Orphanet 602, MedGen C1853926, MONDO:0011603, OMIM 605820.
Sialuria. Also called: Sialic Acid Storage Disease; SIALURIA, FRENCH TYPE. Identifiers: Orphanet 3166, MedGen C0342853, MONDO:0010028, OMIM 269921.

Allele frequency attached by ClinVar (database versions not stated): gnomAD exomes below 0.00001 and 0.00002; gnomAD 0.00001; TOPMed 0.00002.

Submissions (3):

Natera, Inc.
Classification: Pathogenic for Nonaka myopathy. Last evaluated: 2025-08-05. Review status: criteria provided, single submitter. Criteria: Natera Variant Classification Schema (03/2026). Collection method: clinical testing. Allele origin: germline.
Comment: The c.1223delT variant in GNE is a frameshift variant predicted to shift the reading frame beginning at codon 408 and leads to a stop codon 16 codons downstream. This variant is expected to result in nonsense mediated decay, truncation, or a dysfunctional protein product. This variant is rare in the general population with a frequency below the threshold expected for the associated phenotype(s). This variant has been observed in one or more individuals affected with the associated recessive disease, as either homozygous or compound heterozygous with a second variant (PMID: 17698786, 15146476). Additionally, this variant has been observed to segregate in affected family members (PMID: 15146476). Given the available evidence, this variant is classified as Pathogenic.

Labcorp Genetics (formerly Invitae), Labcorp
Classification: Pathogenic for Sialuria; GNE myopathy. Last evaluated: 2024-12-07. Review status: criteria provided, single submitter. Criteria: Invitae Variant Classification Sherloc (09022015). Collection method: clinical testing. Allele origin: germline.
Comment: This sequence change creates a premature translational stop signal (p.Ile408Thrfs*16) in the GNE gene. It is expected to result in an absent or disrupted protein product. Loss-of-function variants in GNE are known to be pathogenic (PMID: 24027297). This variant is present in population databases (no rsID available, gnomAD 0.003%). This premature translational stop signal has been observed in individual(s) with inclusion body myopathy (PMID: 15146476). It has also been observed to segregate with disease in related individuals. This variant is also known as 1130delT. ClinVar contains an entry for this variant (Variation ID: 956608). For these reasons, this variant has been classified as Pathogenic.

Revvity Omics, Revvity
Classification: Pathogenic. Last evaluated: 2020-11-20. Review status: criteria provided, single submitter. Criteria: ACMG Guidelines, 2015. Collection method: clinical testing. Allele origin: germline.

Literature cited by the submitters: PubMed 17698786 (cited by Natera, Inc.); PubMed 15146476 (cited by Natera, Inc. and Labcorp Genetics (formerly Invitae), Labcorp); PubMed 24027297 (cited by Labcorp Genetics (formerly Invitae), Labcorp).